The following is an entry in ClinVar:

NM_007294.4(BRCA1):c.3058C>T (p.Pro1020Ser)

Gene: BRCA1 (BRCA1 DNA repair associated; minus strand). Cytogenetic location: 17q21.31.
Variant type: single nucleotide variant.
Coding change: c.3058C>T on transcript NM_007294.4 (MANE Select); coding-DNA position 3058, C replaced by T.
Protein change: p.Pro1020Ser; replaces proline 1020 with serine.
Molecular consequence: missense variant. On other transcripts: intron variant (137).
Genome position (GRCh38, 1-based): chr17:43,092,473, G>A on the plus strand (C>T on the coding strand, the complement: BRCA1 is on the minus strand). VCF-style: chr17-43092473-G-A. GRCh37 (hg19) VCF-style: chr17-41244490-G-A.
Other names: c.2845C>T, p.Pro949Ser (NM_001407895.1, NM_001407896.1, NM_001407897.1 and 9 more transcripts); c.2848C>T, p.Pro950Ser (NM_001407900.1, NM_001407902.1, NM_001407904.1 and 13 more transcripts); c.2794C>T, p.Pro932Ser (NM_001407924.1, NM_001407925.1, NM_001407929.1 and 9 more transcripts); c.2935C>T, p.Pro979Ser (NM_001407919.1, NM_001407648.1, NM_001407664.1 and 19 more transcripts); c.665-1441C>T (NM_001408438.1, NM_001408430.1, NM_001408427.1 and 12 more transcripts); c.671-1441C>T (NM_001408423.1, NM_001408420.1, NM_001408419.1 and 2 more transcripts); c.788-1441C>T (NM_001408404.1, NM_001408472.1, NM_001407990.1 and 17 more transcripts); c.788-334C>T (NM_001407969.1, NM_001407968.1); and 41 more; short protein forms P1017S, P1019S, P1020S, P724S, P852S, P892S, P893S, P908S.
Identifiers: ClinVar variation 1709805 (VCV001709805.4), dbSNP rs2154344816, ClinGen allele CA10595871.

ClinVar aggregate classification (germline): Likely benign. Review status: criteria provided, multiple submitters, no conflicts (2 of 4 stars). 2 submissions from 2 submitters: Likely benign (2). Last evaluated 2024-02-09.

Conditions:
Hereditary cancer-predisposing syndrome. Also called: Neoplastic Syndromes, Hereditary; Tumor predisposition; Hereditary Cancer Syndrome; Hereditary neoplastic syndrome. Identifiers: Orphanet 140162, MedGen C0027672, MeSH D009386, MONDO:0015356.
Familial cancer of breast. Also called: Hereditary breast cancer; BREAST CANCER, FAMILIAL; hereditary breast carcinoma. Identifiers: Orphanet 227535, MedGen C0346153, MONDO:0016419, OMIM 114480. Disease mechanism: loss of function.

Submissions (2):

MGZ Medical Genetics Center
Classification: Likely benign for Familial cancer of breast. Last evaluated: 2024-02-09. Review status: criteria provided, single submitter. Criteria: CSpec BRCA1/2ACMG Rules Specifications V1.1.0. Collection method: clinical testing. Allele origin: germline. Affected: yes.
Comment: ACMG codes applied following ENIGMA VCEP rules: BP1_STR, PM2_SUP

University of Washington Department of Laboratory Medicine, University of Washington
Classification: Likely benign for Hereditary cancer-predisposing syndrome. Last evaluated: 2023-03-23. Review status: criteria provided, single submitter. Criteria: Dines et al. (Genet Med. 2020). Collection method: curation. Allele origin: germline.
Comment: Missense variant in a coldspot region where missense variants are very unlikely to be pathogenic (PMID:31911673).

BRCA1 coldspot (exon 11 using historical exon numbering). Reclassification based on statistical prior probability